The following is an entry in ClinVar:

NM_004187.5(KDM5C):c.3990C>G (p.Ala1330=)

Gene: KDM5C (lysine demethylase 5C; minus strand). Cytogenetic location: Xp11.22.
Variant type: single nucleotide variant.
Coding change: c.3990C>G on transcript NM_004187.5 (MANE Select); coding-DNA position 3990, C replaced by G.
Protein change: p.Ala1330=; no amino-acid change (alanine 1330 retained).
Molecular consequence: synonymous variant. On other transcripts: non-coding transcript variant (3).
Genome position (GRCh38, 1-based): chrX:53,194,187, G>C on the plus strand (C>G on the coding strand, the complement: KDM5C is on the minus strand). VCF-style: chrX-53194187-G-C. GRCh37 (hg19) VCF-style: chrX-53223369-G-C.
Other names: c.3789C>G, p.Ala1263= (NM_001146702.2); c.3987C>G, p.Ala1329= (NM_001282622.3, NM_001353979.2, NM_001353982.2); c.3990C>G, p.Ala1330= (NM_001353978.3, NM_001353981.2, NM_001353984.2).
Identifiers: ClinVar variation 94878 (VCV000094878.43), dbSNP rs143291826, ClinGen allele CA147876.

ClinVar aggregate classification (germline): Benign/Likely benign. Review status: criteria provided, multiple submitters, no conflicts (2 of 4 stars). 7 submissions from 7 submitters: Benign (2); Likely benign (4). 1 of the submissions does not count toward it. Last evaluated 2026-01-17.

Conditions:
KDM5C-related disorder. Also called: KDM5C-related condition.
Inborn genetic diseases. Identifiers: MedGen C0950123, MeSH D030342.
Spastic paraplegia. Identifiers: MedGen C0037772, HP:0001258.

Allele frequency attached by ClinVar (database versions not stated): gnomAD exomes 0.00030; ESP Exome Variant Server 0.00038; gnomAD 0.00040 and 0.00042; 1000 Genomes Project 30x 0.00042; ExAC 0.00043; 1000 Genomes Project 0.00053; TOPMed 0.00058.
gnomAD v4.1: 633 of 1,208,603 alleles (0.052%); highest among the groups gnomAD compares: Non-Finnish European, 0.065%; no homozygotes.

Submissions (7):

Labcorp Genetics (formerly Invitae), Labcorp
Classification: Benign for Spastic paraplegia. Last evaluated: 2026-01-17. Review status: criteria provided, single submitter. Criteria: Invitae Variant Classification Sherloc (09022015). Collection method: clinical testing. Allele origin: germline.

Blueprint Genetics
Classification: Likely benign. Last evaluated: 2024-11-07. Review status: criteria provided, single submitter. Criteria: ACMG Guidelines, 2015. Collection method: clinical testing. Allele origin: germline.

CeGaT Center for Human Genetics Tuebingen
Classification: Likely benign. Last evaluated: 2023-12-01. Review status: criteria provided, single submitter. Criteria: CeGaT Center For Human Genetics Tuebingen Variant Classification Criteria Version 2. Collection method: clinical testing. Allele origin: germline. Affected: yes. Observed: 2 variant alleles.
Comment: KDM5C: BP4, BP7, BS2

GeneDx
Classification: Benign. Last evaluated: 2019-12-12. Review status: criteria provided, single submitter. Criteria: GeneDx Variant Classification Process June 2021. Collection method: clinical testing. Allele origin: germline. Affected: yes.

Eurofins Ntd Llc (ga)
Classification: Likely benign. Last evaluated: 2014-12-14. Review status: criteria provided, single submitter. Criteria: EGL Classification Definitions 2015. Collection method: clinical testing. Allele origin: germline. Observed: 2 variant alleles, 2 hemizygotes.

Ambry Genetics
Classification: Likely benign for Inborn genetic diseases. Last evaluated: 2014-06-30. Review status: criteria provided, single submitter. Criteria: Ambry Variant Classification Scheme 2023. Collection method: clinical testing. Allele origin: germline.

PreventionGenetics, part of Exact Sciences
Classification: Likely benign for KDM5C-related condition. Last evaluated: 2019-09-12. Review status: no assertion criteria provided. Collection method: clinical testing. Allele origin: germline. Not counted in ClinVar's aggregate classification.
Comment: This variant is classified as likely benign based on ACMG/AMP sequence variant interpretation guidelines (Richards et al. 2015 PMID: 25741868, with internal and published modifications).